The following is an entry in ClinVar:

ClinVar aggregate classification (germline): Uncertain significance (1 of 4 stars; one submission).

Allele frequency attached by ClinVar (database versions not stated): gnomAD 0.00005; TOPMed 0.00005.
gnomAD v4.1: 16 of 1,613,664 alleles (0.00099%); highest among the groups gnomAD compares: Admixed American, 0.027%; no homozygotes.

Submission:

Labcorp Genetics (formerly Invitae), Labcorp
Classification: Uncertain significance. Last evaluated: 2024-01-22. Review status: criteria provided, single submitter. Criteria: Invitae Variant Classification Sherloc (09022015). Collection method: clinical testing. Allele origin: germline.
Comment: This sequence change replaces serine, which is neutral and polar, with glycine, which is neutral and non-polar, at codon 1078 of the BRD4 protein (p.Ser1078Gly). This variant is present in population databases (no rsID available, gnomAD 0.01%). This variant has not been reported in the literature in individuals affected with BRD4-related conditions. Advanced modeling of protein sequence and biophysical properties (such as structural, functional, and spatial information, amino acid conservation, physicochemical variation, residue mobility, and thermodynamic stability) performed at Invitae indicates that this missense variant is not expected to disrupt BRD4 protein function with a negative predictive value of 80%. In summary, the available evidence is currently insufficient to determine the role of this variant in disease. Therefore, it has been classified as a Variant of Uncertain Significance.

NM_001379291.1(BRD4):c.3232A>G (p.Ser1078Gly)

Gene: BRD4 (bromodomain containing 4; minus strand). Cytogenetic location: 19p13.12.
Variant type: single nucleotide variant.
Coding change: c.3232A>G on transcript NM_001379291.1 (MANE Select); coding-DNA position 3232, A replaced by G.
Protein change: p.Ser1078Gly; replaces serine 1078 with glycine.
Molecular consequence: missense variant.
Genome position (GRCh38, 1-based): chr19:15,239,960, T>C on the plus strand (A>G on the coding strand, the complement: BRD4 is on the minus strand). VCF-style: chr19-15239960-T-C. GRCh37 (hg19) VCF-style: chr19-15350771-T-C.
Other names: c.3232A>G, p.Ser1078Gly (NM_058243.3); short protein forms S1078G.
Identifiers: ClinVar variation 2813372 (VCV002813372.3), dbSNP rs1435266374, ClinGen allele CA404500639.